The following is an entry in ClinVar:

ClinVar aggregate classification (germline): Pathogenic/Likely pathogenic. Review status: criteria provided, multiple submitters, no conflicts (2 of 4 stars). 2 submissions from 2 submitters: Pathogenic (1); Likely pathogenic (1). Last evaluated 2024-12-18.

Conditions:
Joubert syndrome and related disorders. Identifiers: Orphanet 140874, MedGen C5679612, MONDO:0015369.
CC2D2A-related disorder. Also called: CC2D2A-related condition; CC2D2A-related disorders. Identifiers: MedGen CN239313.

Submissions (2):

PreventionGenetics, part of Exact Sciences
Classification: Likely pathogenic for CC2D2A-related condition. Last evaluated: 2024-12-18. Review status: criteria provided, single submitter. Criteria: ACMG Guidelines, 2015. Collection method: clinical testing. Allele origin: germline.
Comment: The CC2D2A c.4389delA variant is predicted to result in a frameshift and premature protein termination (p.Lys1463Asnfs*21). To our knowledge, this variant has not been reported in the literature or in a large population database (gnomAD), indicating this variant is rare. Frameshift variants in CC2D2A are expected to be pathogenic. This variant is interpreted as likely pathogenic.

Myriad Genetics, Inc.
Classification: Pathogenic for Joubert syndrome and related disorders. Last evaluated: 2024-06-09. Review status: criteria provided, single submitter. Criteria: Myriad Autosomal Dominant, Autosomal Recessive and X-Linked Classification Criteria (2023). Collection method: clinical testing. Allele origin: unknown.
Comment: NM_001080522.2(CC2D2A):c.4389delA(K1463Nfs*21) is expected to be pathogenic in the context of CC2D2A-related disorders. This variant is predicted to lead to an abnormal or absent protein product due to the creation of a premature termination codon in CC2D2A, a gene where loss-of-function variants are known to be pathogenic. Please note: this variant was assessed in the context of healthy population screening.

NM_001378615.1(CC2D2A):c.4389del (p.Lys1463fs)

Genes: CC2D2A (coiled-coil and C2 domain containing 2A; plus strand), FBXL5 (F-box and leucine rich repeat protein 5; minus strand). Cytogenetic location: 4p15.32.
Variant type: Deletion.
Coding change: c.4389del on transcript NM_001378615.1 (MANE Select); coding-DNA position 4389, one base deleted (A; older notation c.4389delA).
Protein change: p.Lys1463fs; shifts the reading frame from lysine 1463.
Molecular consequence: frameshift variant.
Genome position (GRCh38, 1-based): chr4:15,596,159, A deleted; the last of 3 consecutive A bases (chr4:15,596,157-15,596,159); deleting any one gives the same sequence. VCF-style (leftmost placement, unchanged base first): chr4-15596156-GA-G. GRCh37 (hg19) VCF-style: chr4-15597779-GA-G.
Other names: c.4389delA (NM_001080522.2); c.4389del, p.Lys1463fs (NM_001080522.2); c.4242del, p.Lys1414fs (NM_001378617.1); short protein forms K1414fs, K1463fs.
Identifiers: ClinVar variation 4984851 (VCV004984851.2).
Genomic context (GRCh38, chr4:15,596,156, plus strand): 5'-TATTCAACGATATGAATCTCCACTAAGGATAAATTTTGATGTCACCAGGCCCAAGCTATG[GA>G]AATCTTTCTTTTCAAGAAGCCTTCCATATCCTGGCCTTTCCAGTGTTCAGGTATAAATCT-3'